The following is an entry in ClinVar:

NM_058216.3(RAD51C):c.145+17G>T

Genes: RAD51C (RAD51 paralog C; plus strand), LOC130061310 (ATAC-STARR-seq lymphoblastoid active region 12491; plus strand). Cytogenetic location: 17q22.
Variant type: single nucleotide variant.
Coding change: c.145+17G>T on transcript NM_058216.3 (MANE Select); 17 bases into the intron after coding-DNA position 145, G replaced by T.
Molecular consequence: intron variant.
Genome position (GRCh38, 1-based): chr17:58,692,805, G>T. VCF-style: chr17-58692805-G-T. GRCh37 (hg19) VCF-style: chr17-56770166-G-T.
Other names: c.145+17G>T (NM_002876.4).
Identifiers: ClinVar variation 517907 (VCV000517907.9), dbSNP rs369854656, ClinGen allele CA8677157.

ClinVar aggregate classification (germline): Likely benign. Review status: criteria provided, multiple submitters, no conflicts (2 of 4 stars). 2 submissions from 2 submitters: Likely benign (2). Last evaluated 2025-04-09.

Conditions:
Fanconi anemia complementation group O. Also called: RAD51C-Related Fanconi Anemia. Identifiers: Orphanet 84, MedGen C3150653, MONDO:0013248, OMIM 613390.

Allele frequency attached by ClinVar (database versions not stated): gnomAD exomes below 0.00001; TOPMed below 0.00001; ExAC 0.00001; ESP Exome Variant Server 0.00008.

Submissions (2):

Labcorp Genetics (formerly Invitae), Labcorp
Classification: Likely benign for Fanconi anemia complementation group O. Last evaluated: 2025-04-09. Review status: criteria provided, single submitter. Criteria: Invitae Variant Classification Sherloc (09022015). Collection method: clinical testing. Allele origin: germline.

GeneDx
Classification: Likely benign. Last evaluated: 2017-05-26. Review status: criteria provided, single submitter. Criteria: GeneDx Variant Classification (06012015). Collection method: clinical testing. Allele origin: germline. Affected: yes.
Comment: This variant is considered likely benign or benign based on one or more of the following criteria: it is a conservative change, it occurs at a poorly conserved position in the protein, it is predicted to be benign by multiple in silico algorithms, and/or has population frequency not consistent with disease.